The following is an entry in ClinVar:

ClinVar aggregate classification (germline): Uncertain significance (1 of 4 stars; one submission).

Allele frequency attached by ClinVar (database versions not stated): gnomAD exomes below 0.00001.
gnomAD v4.1: 1 of 1,614,218 alleles (0.000062%); highest among the groups gnomAD compares: Non-Finnish European, 0.000085%; no homozygotes.

Submission:

GeneDx
Classification: Uncertain significance. Last evaluated: 2022-06-28. Review status: criteria provided, single submitter. Criteria: GeneDx Variant Classification Process June 2021. Collection method: clinical testing. Allele origin: germline. Affected: yes.
Comment: Not observed at significant frequency in large population cohorts (gnomAD); In silico analysis supports that this missense variant does not alter protein structure/function; Has not been previously published as pathogenic or benign to our knowledge

NM_001005273.3(CHD3):c.982A>G (p.Ser328Gly)

Genes: CHD3 (chromodomain helicase DNA binding protein 3; plus strand), LOC126862484 (CDK7 strongly-dependent group 2 enhancer GRCh37_chr17:7797066-7798265; plus strand). Cytogenetic location: 17p13.1.
Variant type: single nucleotide variant.
Coding change: c.982A>G on transcript NM_001005273.3 (MANE Select); coding-DNA position 982, A replaced by G.
Protein change: p.Ser328Gly; replaces serine 328 with glycine.
Molecular consequence: missense variant.
Genome position (GRCh38, 1-based): chr17:7,894,172, A>G. VCF-style: chr17-7894172-A-G. GRCh37 (hg19) VCF-style: chr17-7797490-A-G.
Other names: c.1159A>G, p.Ser387Gly (NM_001005271.3); c.982A>G, p.Ser328Gly (NM_005852.4); short protein forms S328G, S387G.
Identifiers: ClinVar variation 1809995 (VCV001809995.1), dbSNP rs2544811041, ClinGen allele CA397938268.
Genomic context (GRCh38, chr17:7,894,172, plus strand): 5'-CAGTATGTTTTTCAGAGCGACGAAGGTCCTGAACCAGAGGCTGAGGAATCAGACCTGGAC[A>G]GTGGCAGTGTCCACAGTGCCTCAGGCCGGCCTGATGGCCCTGTCCGCACCAAGAAACTAA-3'
Protein context (NP_001005273.1, residues 318-338): EPEAEESDLD[Ser328Gly]GSVHSASGRP